The following is an entry in ClinVar:

ClinVar aggregate classification (germline): Uncertain significance (1 of 4 stars; one submission).

Conditions:
Tay-Sachs disease (TSD). Also called: HEXA DEFICIENCY; GM2 gangliosidosis, type 1; Hexosaminidase alpha-subunit deficiency (variant B); Sphingolipidosis, Tay-Sachs; Hexosaminidase A Deficiency; HEXA Disorders. Identifiers: Orphanet 845, MedGen C0039373, MONDO:0010100, OMIM 272800.

gnomAD v4.1: 1 of 1,613,768 alleles (0.000062%); highest among the groups gnomAD compares: Non-Finnish European, 0.000085%; no homozygotes.

Submission:

Labcorp Genetics (formerly Invitae), Labcorp
Classification: Uncertain significance for Tay-Sachs disease. Last evaluated: 2021-08-12. Review status: criteria provided, single submitter. Criteria: Invitae Variant Classification Sherloc (09022015). Collection method: clinical testing. Allele origin: germline.
Comment: In summary, the available evidence is currently insufficient to determine the role of this variant in disease. Therefore, it has been classified as a Variant of Uncertain Significance. Algorithms developed to predict the effect of missense changes on protein structure and function (SIFT, PolyPhen-2, Align-GVGD) all suggest that this variant is likely to be disruptive. This variant has not been reported in the literature in individuals affected with HEXA-related conditions. This variant is not present in population databases (ExAC no frequency). This sequence change replaces glycine with aspartic acid at codon 171 of the HEXA protein (p.Gly171Asp). The glycine residue is highly conserved and there is a moderate physicochemical difference between glycine and aspartic acid.

NM_000520.6(HEXA):c.512G>A (p.Gly171Asp)

Gene: HEXA (hexosaminidase subunit alpha; minus strand). Cytogenetic location: 15q23.
Variant type: single nucleotide variant.
Coding change: c.512G>A on transcript NM_000520.6 (MANE Select); coding-DNA position 512, G replaced by A.
Protein change: p.Gly171Asp; replaces glycine 171 with aspartic acid.
Molecular consequence: missense variant. On other transcripts: non-coding transcript variant (1).
Genome position (GRCh38, 1-based): chr15:72,353,126, C>T on the plus strand (G>A on the coding strand, the complement: HEXA is on the minus strand). VCF-style: chr15-72353126-C-T. GRCh37 (hg19) VCF-style: chr15-72645467-C-T.
Other names: c.545G>A, p.Gly182Asp (NM_001318825.2); short protein forms G171D, G182D.
Identifiers: ClinVar variation 1495581 (VCV001495581.6), dbSNP rs2088723709, ClinGen allele CA393064909.
Genomic context (GRCh38, chr15:72,353,126, plus strand): 5'-ACCAGAGTGTCCAGGATGCTAGAGAGTGGCAGGTAATGGCGAGATGTATCCAACAGCAAG[C>T]CCCGGTGAGGAAAGCGGGGAAAGTCCTCAATCTCAGTCTTGTTGATAAAGAACTGTGCAG-3'
Protein context (NP_000511.2, residues 161-181): IEDFPRFPHR[Gly171Asp]LLLDTSRHYL